The following is an entry in ClinVar:

ClinVar aggregate classification (germline): Conflicting classifications of pathogenicity. Review status: criteria provided, conflicting classifications (1 of 4 stars). 2 submissions from 2 submitters: Uncertain significance (1); Likely benign (1). Last evaluated 2025-11-25.

Conditions:
Inborn genetic diseases. Identifiers: MedGen C0950123, MeSH D030342.

Allele frequency attached by ClinVar (database versions not stated): ExAC 0.00001; gnomAD 0.00001; gnomAD exomes 0.00002; ESP Exome Variant Server 0.00008; TOPMed 0.00001.
gnomAD v4.1: 36 of 1,613,988 alleles (0.0022%); highest among the groups gnomAD compares: Non-Finnish European, 0.0029%; no homozygotes.

Submissions (2):

Ambry Genetics
Classification: Likely benign for Inborn genetic diseases. Last evaluated: 2025-11-25. Review status: criteria provided, single submitter. Criteria: Ambry Variant Classification Scheme 2023. Collection method: clinical testing. Allele origin: germline.

Labcorp Genetics (formerly Invitae), Labcorp
Classification: Uncertain significance. Last evaluated: 2025-11-01. Review status: criteria provided, single submitter. Criteria: Invitae Variant Classification Sherloc (09022015). Collection method: clinical testing. Allele origin: germline.
Comment: This sequence change replaces histidine, which is basic and polar, with tyrosine, which is neutral and polar, at codon 501 of the RIPK1 protein (p.His501Tyr). This variant is present in population databases (rs376022094, gnomAD 0.002%). This variant has not been reported in the literature in individuals affected with RIPK1-related conditions. ClinVar contains an entry for this variant (Variation ID: 2965471). An algorithm developed to predict the effect of missense changes on protein structure and function outputs the following: PolyPhen-2: "Benign". The tyrosine amino acid residue is found in multiple mammalian species, which suggests that this missense change does not adversely affect protein function. In summary, the available evidence is currently insufficient to determine the role of this variant in disease. Therefore, it has been classified as a Variant of Uncertain Significance.

NM_001354930.2(RIPK1):c.1501C>T (p.His501Tyr)

Gene: RIPK1 (receptor interacting serine/threonine kinase 1; plus strand). Cytogenetic location: 6p25.2.
Variant type: single nucleotide variant.
Coding change: c.1501C>T on transcript NM_001354930.2 (MANE Select); coding-DNA position 1501, C replaced by T.
Protein change: p.His501Tyr; replaces histidine 501 with tyrosine.
Molecular consequence: missense variant.
Genome position (GRCh38, 1-based): chr6:3,105,976, C>T. VCF-style: chr6-3105976-C-T. GRCh37 (hg19) VCF-style: chr6-3106210-C-T.
Other names: c.1012C>T, p.His338Tyr (NM_001317061.3, NM_001354932.2, NM_001354933.2 and 1 more transcripts); c.1363C>T, p.His455Tyr (NM_001354931.2); c.1501C>T, p.His501Tyr (NM_003804.6); c.1501C>T (NM_003804.3); short protein forms H338Y, H455Y, H501Y.
Identifiers: ClinVar variation 2965471 (VCV002965471.4), dbSNP rs376022094, ClinGen allele CA3618434.